The following is an entry in ClinVar:

NM_001042492.3(NF1):c.1919C>A (p.Thr640Asn)

Gene: NF1 (neurofibromin 1; plus strand). Cytogenetic location: 17q11.2.
Variant type: single nucleotide variant.
Coding change: c.1919C>A on transcript NM_001042492.3 (MANE Select); coding-DNA position 1919, C replaced by A.
Protein change: p.Thr640Asn; replaces threonine 640 with asparagine.
Molecular consequence: missense variant.
Genome position (GRCh38, 1-based): chr17:31,225,168, C>A. VCF-style: chr17-31225168-C-A. GRCh37 (hg19) VCF-style: chr17-29552186-C-A.
Other names: c.1919C>A, p.Thr640Asn (NM_000267.4); short protein forms T640N.
Identifiers: ClinVar variation 1809775 (VCV001809775.1), dbSNP rs1555613573, ClinGen allele CA399005312.

ClinVar aggregate classification (germline): Uncertain significance (1 of 4 stars; one submission).

Submission:

Athena Diagnostics
Classification: Uncertain significance. Last evaluated: 2021-08-12. Review status: criteria provided, single submitter. Criteria: Athena Diagnostics Criteria. Collection method: clinical testing. Allele origin: unknown.
Comment: This observation is not an independent occurrence and has been identified in the same individual by RCIGM, the other laboratory participating in the GEMINI study.